The following is an entry in ClinVar:

ClinVar aggregate classification (germline): Uncertain significance (1 of 4 stars; one submission).

Submission:

GeneDx
Classification: Uncertain significance. Last evaluated: 2024-07-03. Review status: criteria provided, single submitter. Criteria: GeneDx Variant Classification Process June 2021. Collection method: clinical testing. Allele origin: germline. Affected: yes.
Comment: Not observed at significant frequency in large population cohorts (gnomAD); In silico analysis indicates that this variant does not alter splicing; Has not been previously published as pathogenic or benign to our knowledge

NM_001128228.3(TPRN):c.777C>T (p.Leu259=)

Gene: TPRN (taperin; minus strand). Cytogenetic location: 9q34.3.
Variant type: single nucleotide variant.
Coding change: c.777C>T on transcript NM_001128228.3 (MANE Select); coding-DNA position 777, C replaced by T.
Protein change: p.Leu259=; no amino-acid change (leucine 259 retained).
Molecular consequence: synonymous variant.
Genome position (GRCh38, 1-based): chr9:137,199,935, G>A on the plus strand (C>T on the coding strand, the complement: TPRN is on the minus strand). VCF-style: chr9-137199935-G-A. GRCh37 (hg19) VCF-style: chr9-140094387-G-A.
Identifiers: ClinVar variation 3393587 (VCV003393587.1).